The following is an entry in ClinVar:

ClinVar aggregate classification (germline): Benign/Likely benign. Review status: criteria provided, multiple submitters, no conflicts (2 of 4 stars). 3 submissions from 3 submitters: Benign (1); Likely benign (2). Last evaluated 2024-03-15.

Conditions:
Hereditary cancer-predisposing syndrome. Also called: Hereditary neoplastic syndrome; Hereditary Cancer Syndrome; Neoplastic Syndromes, Hereditary; Tumor predisposition. Identifiers: Orphanet 140162, MedGen C0027672, MeSH D009386, MONDO:0015356.
Familial adenomatous polyposis 1 (FAP1). Also called: POLYPOSIS, ADENOMATOUS INTESTINAL; FAMILIAL ADENOMATOUS POLYPOSIS 1, ATTENUATED. Identifiers: MedGen C2713442, MONDO:0021056, OMIM 175100. Disease mechanism: loss of function.

Submissions (3):

Myriad Genetics, Inc.
Classification: Benign for Familial adenomatous polyposis 1. Last evaluated: 2024-03-15. Review status: criteria provided, single submitter. Criteria: Myriad Autosomal Dominant, Autosomal Recessive and X-Linked Classification Criteria (2023). Collection method: clinical testing. Allele origin: unknown.
Comment: This variant is considered benign. This variant is a silent/synonymous amino acid change and it is not expected to impact splicing.

Labcorp Genetics (formerly Invitae), Labcorp
Classification: Likely benign for Familial adenomatous polyposis 1. Last evaluated: 2023-05-31. Review status: criteria provided, single submitter. Criteria: Invitae Variant Classification Sherloc (09022015). Collection method: clinical testing. Allele origin: germline.

Ambry Genetics
Classification: Likely benign for Hereditary cancer-predisposing syndrome. Last evaluated: 2023-05-14. Review status: criteria provided, single submitter. Criteria: Ambry Variant Classification Scheme 2023. Collection method: clinical testing. Allele origin: germline.

NM_000038.6(APC):c.2763A>T (p.Ala921=)

Gene: APC (APC regulator of Wnt signaling pathway; plus strand). Cytogenetic location: 5q22.2.
Variant type: single nucleotide variant.
Coding change: c.2763A>T on transcript NM_000038.6 (MANE Select); coding-DNA position 2763, A replaced by T.
Protein change: p.Ala921=; no amino-acid change (alanine 921 retained).
Molecular consequence: synonymous variant. On other transcripts: non-coding transcript variant (2).
Genome position (GRCh38, 1-based): chr5:112,838,357, A>T. VCF-style: chr5-112838357-A-T. GRCh37 (hg19) VCF-style: chr5-112174054-A-T.
Other names: c.2763A>T, p.Ala921= (NM_001127510.3, NM_001354895.2, NM_001407450.1); c.2709A>T, p.Ala903= (NM_001127511.3); c.2817A>T, p.Ala939= (NM_001354896.2, NM_001407447.1, NM_001407448.1 and 1 more transcripts); c.2793A>T, p.Ala931= (NM_001354897.2); c.2688A>T, p.Ala896= (NM_001354898.2); c.2679A>T, p.Ala893= (NM_001354899.2); c.2640A>T, p.Ala880= (NM_001354900.2); c.2586A>T, p.Ala862= (NM_001354901.2, NM_001407453.1); and 11 more.
Identifiers: ClinVar variation 2567040 (VCV002567040.5), dbSNP rs750259615, ClinGen allele CA445962860.